The following is an entry in ClinVar:

NM_001853.4(COL9A3):c.1774C>T (p.Pro592Ser)

Gene: COL9A3 (collagen type IX alpha 3 chain; plus strand). Cytogenetic location: 20q13.33.
Variant type: single nucleotide variant.
Coding change: c.1774C>T on transcript NM_001853.4 (MANE Select); coding-DNA position 1774, C replaced by T.
Protein change: p.Pro592Ser; replaces proline 592 with serine.
Molecular consequence: missense variant.
Genome position (GRCh38, 1-based): chr20:62,837,253, C>T. VCF-style: chr20-62837253-C-T. GRCh37 (hg19) VCF-style: chr20-61468605-C-T.
Other names: short protein forms P592S.
Identifiers: ClinVar variation 1484785 (VCV001484785.9), dbSNP rs773683436, ClinGen allele CA9950187.

ClinVar aggregate classification (germline): Uncertain significance. Review status: criteria provided, multiple submitters, no conflicts (2 of 4 stars). 2 submissions from 2 submitters: Uncertain significance (2). Last evaluated 2025-10-01.

Allele frequency attached by ClinVar (database versions not stated): gnomAD exomes below 0.00001; ExAC 0.00001; gnomAD 0.00002 and 0.00003; TOPMed 0.00003.
gnomAD v4.1: 6 of 1,610,372 alleles (0.00037%); highest among the groups gnomAD compares: South Asian, 0.0033%; no homozygotes.

Submissions (2):

Labcorp Genetics (formerly Invitae), Labcorp
Classification: Uncertain significance. Last evaluated: 2025-10-01. Review status: criteria provided, single submitter. Criteria: Invitae Variant Classification Sherloc (09022015). Collection method: clinical testing. Allele origin: germline.
Comment: This sequence change replaces proline, which is neutral and non-polar, with serine, which is neutral and polar, at codon 592 of the COL9A3 protein (p.Pro592Ser). This variant is present in population databases (rs773683436, gnomAD 0.009%). This variant has not been reported in the literature in individuals affected with COL9A3-related conditions. ClinVar contains an entry for this variant (Variation ID: 1484785). Invitae Evidence Modeling of protein sequence and biophysical properties (such as structural, functional, and spatial information, amino acid conservation, physicochemical variation, residue mobility, and thermodynamic stability) indicates that this missense variant is not expected to disrupt COL9A3 protein function with a negative predictive value of 95%. In summary, the available evidence is currently insufficient to determine the role of this variant in disease. Therefore, it has been classified as a Variant of Uncertain Significance.

Blueprint Genetics
Classification: Uncertain significance. Last evaluated: 2022-03-23. Review status: criteria provided, single submitter. Criteria: ACMG Guidelines, 2015. Collection method: clinical testing. Allele origin: germline.